The following is an entry in ClinVar:

NM_032119.4(ADGRV1):c.18754G>A (p.Asp6252Asn)

Gene: ADGRV1 (adhesion G protein-coupled receptor V1; plus strand). Cytogenetic location: 5q14.3.
Variant type: single nucleotide variant.
Coding change: c.18754G>A on transcript NM_032119.4 (MANE Select); coding-DNA position 18754, G replaced by A.
Protein change: p.Asp6252Asn; replaces aspartic acid 6252 with asparagine.
Molecular consequence: missense variant. On other transcripts: non-coding transcript variant (1).
Genome position (GRCh38, 1-based): chr5:91,153,350, G>A. VCF-style: chr5-91153350-G-A. GRCh37 (hg19) VCF-style: chr5-90449167-G-A.
Other names: short protein forms D6252N.
Identifiers: ClinVar variation 504590 (VCV000504590.30), dbSNP rs201800819, ClinGen allele CA3342730.
Genomic context (GRCh38, chr5:91,153,350, plus strand): 5'-CCACAAAATGGAGCCACGTTCCCGTCCTCTGGAGGATATGGCCAGGGGTCACTGATAGCC[G>A]ATGAGGAGTCCCAGGAGTTTGATGATTTAATATTTGCATTAAAAACTGGTATGTATGAAC-3'
Protein context (NP_115495.3, residues 6242-6262): GGYGQGSLIA[Asp6252Asn]EESQEFDDLI

ClinVar aggregate classification (germline): Conflicting classifications of pathogenicity. Review status: criteria provided, conflicting classifications (1 of 4 stars). 9 submissions from 9 submitters: Uncertain significance (7); Likely benign (1). 1 of the submissions does not count toward it. Last evaluated 2026-01-18.

Conditions:
Inborn genetic diseases. Identifiers: MedGen C0950123, MeSH D030342.
Febrile seizures, familial, 4 (FEB4). Also called: CONVULSIONS, FAMILIAL FEBRILE, 4. Identifiers: MedGen C1858493, MONDO:0011443, OMIM 604352.
Usher syndrome type 2C. Also called: Usher syndrome, type 2B; USHER SYNDROME, TYPE IIC. Identifiers: Orphanet 231178, Orphanet 886, MedGen C2931213, MONDO:0011558, OMIM 605472.
ADGRV1-related disorder. Also called: ADGRV1-related disorders; ADGRV1-related condition.

Allele frequency attached by ClinVar (database versions not stated): TOPMed 0.00015; gnomAD 0.00016; ESP Exome Variant Server 0.00017; gnomAD exomes 0.00032.
gnomAD v4.1: 481 of 1,611,832 alleles (0.03%); highest among the groups gnomAD compares: East Asian, 0.065%; no homozygotes.

Submissions (9):

Labcorp Genetics (formerly Invitae), Labcorp
Classification: Likely benign. Last evaluated: 2026-01-18. Review status: criteria provided, single submitter. Criteria: Invitae Variant Classification Sherloc (09022015). Collection method: clinical testing. Allele origin: germline.

Ambry Genetics
Classification: Uncertain significance for Inborn genetic diseases. Last evaluated: 2025-06-30. Review status: criteria provided, single submitter. Criteria: Ambry Variant Classification Scheme 2023. Collection method: clinical testing. Allele origin: germline.

GeneDx
Classification: Uncertain significance. Last evaluated: 2025-01-08. Review status: criteria provided, single submitter. Criteria: GeneDx Variant Classification Process June 2021. Collection method: clinical testing. Allele origin: germline. Affected: yes.
Comment: Identified in a patient with autism in published literature; has not been published in association with an ADGRV1-related disorder to our knowledge (PMID: 35982159); In silico analysis indicates that this missense variant does not alter protein structure/function; In silico analysis is inconclusive as to whether the variant alters gene splicing. In the absence of RNA/functional studies, the actual effect of this sequence change is unknown.; This variant is associated with the following publications: (PMID: 35982159)

Blueprint Genetics
Classification: Uncertain significance. Last evaluated: 2024-11-14. Review status: criteria provided, single submitter. Criteria: ACMG Guidelines, 2015. Collection method: clinical testing. Allele origin: germline.

Fulgent Genetics
Classification: Uncertain significance for Febrile seizures, familial, 4; Usher syndrome type 2C. Last evaluated: 2022-03-18. Review status: criteria provided, single submitter. Criteria: ACMG Guidelines, 2015. Collection method: clinical testing. Allele origin: unknown.

Illumina Laboratory Services, Illumina
Classification: Uncertain significance for Usher syndrome type 2C. Last evaluated: 2018-01-12. Review status: criteria provided, single submitter. Criteria: ICSL Variant Classification Criteria 13 December 2019. Collection method: clinical testing. Allele origin: germline.

ARUP Laboratories, Molecular Genetics and Genomics, ARUP Laboratories
Classification: Uncertain significance. Last evaluated: 2017-09-29. Review status: criteria provided, single submitter. Criteria: ARUP Molecular Germline Variant Investigation Process. Collection method: clinical testing. Allele origin: germline.
Comment: The p.Asp6252Asn variant (rs201800819) has not been reported in the medical literature, is absent from ClinVar, and has not been previously identified in our laboratory. The p.Asp6252Asn variant is listed in the Genome Aggregation Database (gnomAD) browser with an overall allele frequency of 0.011% (identified in 31 out of 274,368 chromosomes). The aspartic acid at codon 6,252 is moderately conserved considering 12 species (Alamut software v2.10.0), and computational analyses suggest that this variant does affect the structure/function of the ADGRV1 protein (SIFT: damaging, PolyPhen2: possibly damaging, MutationTaster: disease causing). However, based on the available information, the clinical significance of the p.Asp6252Asn variant cannot be determined with certainty.

Laboratory for Molecular Medicine, Mass General Brigham Personalized Medicine
Classification: Uncertain significance. Last evaluated: 2016-11-17. Review status: criteria provided, single submitter. Criteria: LMM Criteria. Collection method: clinical testing. Allele origin: germline. Observed: 3 variant alleles.
Comment: The p.Asp6252Asn variant in GPR98 has not been previously reported in individual s with hearing loss or Usher syndrome. This variant has been identified in seve ral populations by the Exome Aggregation Consortium, including 8/61548 European chromosomes (ExAC; dbSNP rs201800819); however, its frequency is not high enough to rule out a pathogenic role. Computational pr ediction tools and conservation analyses do not provide strong support for or ag ainst an impact to the protein. In summary, the clinical significance of this v ariant is uncertain.

PreventionGenetics, part of Exact Sciences
Classification: Uncertain significance for ADGRV1-related condition. Last evaluated: 2024-09-01. Review status: no assertion criteria provided. Collection method: clinical testing. Allele origin: germline. Not counted in ClinVar's aggregate classification.
Comment: The ADGRV1 c.18754G>A variant is predicted to result in the amino acid substitution p.Asp6252Asn. To our knowledge, this variant has not been previously reported in association with retinal disease; however, this variant was identified in one individual in a large cohort of individuals with autism (supplementary data, Zhou et al. 2022. PubMed ID: 35982159). This variant is reported in 0.021% of alleles in individuals of African descent in gnomAD. At this time, the clinical significance of this variant is uncertain due to the absence of conclusive functional and genetic evidence.